The following is an entry in ClinVar:

NM_032043.3(BRIP1):c.*729C>T

Gene: BRIP1 (BRCA1 interacting DNA helicase 1; minus strand). Cytogenetic location: 17q23.2.
Variant type: single nucleotide variant.
Coding change: c.*729C>T on transcript NM_032043.3 (MANE Select); 729 bases downstream of the stop codon, C replaced by T.
Molecular consequence: 3 prime UTR variant.
Genome position (GRCh38, 1-based): chr17:61,682,567, G>A on the plus strand (C>T on the coding strand, the complement: BRIP1 is on the minus strand). VCF-style: chr17-61682567-G-A. GRCh37 (hg19) VCF-style: chr17-59759928-G-A.
Identifiers: ClinVar variation 324333 (VCV000324333.5), dbSNP rs137967725, ClinGen allele CA10640123.

ClinVar aggregate classification (germline): Likely benign (1 of 4 stars; one submission).

Conditions:
Fanconi anemia complementation group J. Also called: BRIP1-Related Fanconi Anemia. Identifiers: Orphanet 84, MedGen C1836860, MONDO:0012187, OMIM 609054.

Allele frequency attached by ClinVar (database versions not stated): gnomAD exomes 0.00086; 1000 Genomes Project 0.00419; gnomAD 0.00438 and 0.00475; 1000 Genomes Project 30x 0.00515; TOPMed 0.00515.
gnomAD v4.1: 696 of 195,192 alleles (0.36%); highest among the groups gnomAD compares: African/African-American, 1.5%; 4 homozygotes.

Submission:

Illumina Laboratory Services, Illumina
Classification: Likely benign for Fanconi anemia complementation group J. Last evaluated: 2018-01-13. Review status: criteria provided, single submitter. Criteria: ICSL Variant Classification Criteria 13 December 2019. Collection method: clinical testing. Allele origin: germline.
Comment: This variant was observed in the ICSL laboratory as part of a predisposition screen in an ostensibly healthy population. It had not been previously curated by ICSL or reported in the Human Gene Mutation Database (HGMD: prior to June 1st, 2018), and was therefore a candidate for classification through an automated scoring system. Utilizing variant allele frequency, disease prevalence and penetrance estimates, and inheritance mode, an automated score was calculated to assess if this variant is too frequent to cause the disease. Based on the score and internal cut-off values, a variant classified as likely benign is not then subjected to further curation. The score for this variant resulted in a classification of likely benign for this disease.